The following is an entry in ClinVar:

ClinVar aggregate classification (germline): Uncertain significance (1 of 4 stars; one submission).

gnomAD v4.1: 31 of 1,552,086 alleles (0.002%); highest among the groups gnomAD compares: Non-Finnish European, 0.0024%; no homozygotes.

Submission:

Labcorp Genetics (formerly Invitae), Labcorp
Classification: Uncertain significance. Last evaluated: 2025-07-03. Review status: criteria provided, single submitter. Criteria: Invitae Variant Classification Sherloc (09022015). Collection method: clinical testing. Allele origin: germline.
Comment: This sequence change replaces arginine, which is basic and polar, with cysteine, which is neutral and slightly polar, at codon 61 of the MMP9 protein (p.Arg61Cys). This variant is present in population databases (rs370018925, gnomAD 0.004%). This variant has not been reported in the literature in individuals affected with MMP9-related conditions. An algorithm developed to predict the effect of missense changes on protein structure and function (PolyPhen-2) suggests that this variant is likely to be disruptive. In summary, the available evidence is currently insufficient to determine the role of this variant in disease. Therefore, it has been classified as a Variant of Uncertain Significance.

NM_004994.3(MMP9):c.181C>T (p.Arg61Cys)

Gene: MMP9 (matrix metallopeptidase 9; plus strand). Cytogenetic location: 20q13.12.
Variant type: single nucleotide variant.
Coding change: c.181C>T on transcript NM_004994.3 (MANE Select); coding-DNA position 181, C replaced by T.
Protein change: p.Arg61Cys; replaces arginine 61 with cysteine.
Molecular consequence: missense variant.
Genome position (GRCh38, 1-based): chr20:46,009,908, C>T. VCF-style: chr20-46009908-C-T. GRCh37 (hg19) VCF-style: chr20-44638547-C-T.
Other names: short protein forms R61C.
Identifiers: ClinVar variation 4755283 (VCV004755283.1).
Genomic context (GRCh38, chr20:46,009,908, plus strand): 5'-GTGTCCCTTCATCCACAGGAATACCTGTACCGCTATGGTTACACTCGGGTGGCAGAGATG[C>T]GTGGAGAGTCGAAATCTCTGGGGCCTGCGCTGCTGCTTCTCCAGAAGCAACTGTCCCTGC-3'
Protein context (NP_004985.2, residues 51-71): RYGYTRVAEM[Arg61Cys]GESKSLGPAL